The following is an entry in ClinVar:

ClinVar aggregate classification (germline): Uncertain significance (1 of 4 stars; one submission).

Allele frequency attached by ClinVar (database versions not stated): TOPMed 0.00001.
gnomAD v4.1: 11 of 1,600,660 alleles (0.00069%); highest among the groups gnomAD compares: Admixed American, 0.0051%; no homozygotes.

Submission:

Labcorp Genetics (formerly Invitae), Labcorp
Classification: Uncertain significance. Last evaluated: 2022-02-03. Review status: criteria provided, single submitter. Criteria: Invitae Variant Classification Sherloc (09022015). Collection method: clinical testing. Allele origin: germline.
Comment: In summary, the available evidence is currently insufficient to determine the role of this variant in disease. Therefore, it has been classified as a Variant of Uncertain Significance. Algorithms developed to predict the effect of missense changes on protein structure and function output the following: SIFT: "Tolerated"; PolyPhen-2: "Benign"; Align-GVGD: "Class C0". The leucine amino acid residue is found in multiple mammalian species, which suggests that this missense change does not adversely affect protein function. This variant has not been reported in the literature in individuals affected with DIAPH3-related conditions. This variant is present in population databases (rs762124184, gnomAD 0.009%). This sequence change replaces serine, which is neutral and polar, with leucine, which is neutral and non-polar, at codon 704 of the DIAPH3 protein (p.Ser704Leu).

NM_001042517.2(DIAPH3):c.2111C>T (p.Ser704Leu)

Gene: DIAPH3 (diaphanous related formin 3; minus strand). Cytogenetic location: 13q21.2.
Variant type: single nucleotide variant.
Coding change: c.2111C>T on transcript NM_001042517.2 (MANE Select); coding-DNA position 2111, C replaced by T.
Protein change: p.Ser704Leu; replaces serine 704 with leucine.
Molecular consequence: missense variant.
Genome position (GRCh38, 1-based): chr13:59,924,834, G>A on the plus strand (C>T on the coding strand, the complement: DIAPH3 is on the minus strand). VCF-style: chr13-59924834-G-A. GRCh37 (hg19) VCF-style: chr13-60498968-G-A.
Other names: c.2078C>T, p.Ser693Leu (NM_001258366.2); c.1973C>T, p.Ser658Leu (NM_001258367.2); c.1901C>T, p.Ser634Leu (NM_001258368.2); c.2111C>T, p.Ser704Leu (NM_001258369.2); c.1322C>T, p.Ser441Leu (NM_001258370.2, NM_030932.4); short protein forms S441L, S704L, S693L, S634L, S658L.
Identifiers: ClinVar variation 1478679 (VCV001478679.8), dbSNP rs762124184, ClinGen allele CA6996485.